The following is an entry in ClinVar:

ClinVar aggregate classification (germline): Uncertain significance (1 of 4 stars; one submission).

Conditions:
Hyperaldosteronism, familial, type IV (HALD4). Also called: FH IV; ALDOSTERONISM, PRIMARY, AND HYPERTENSION. Identifiers: Orphanet 642671, MedGen C4310756, MONDO:0014875, OMIM 617027.
Idiopathic generalized epilepsy. Also called: EIG; Generalised epilepsy. Identifiers: MedGen C0270850, MONDO:0005579, OMIM 600669.

gnomAD v4.1: 2 of 1,583,802 alleles (0.00013%); highest among the groups gnomAD compares: East Asian, 0.0023%; no homozygotes.

Submission:

Labcorp Genetics (formerly Invitae), Labcorp
Classification: Uncertain significance for Idiopathic generalized epilepsy; Hyperaldosteronism, familial, type IV. Last evaluated: 2023-10-28. Review status: criteria provided, single submitter. Criteria: Invitae Variant Classification Sherloc (09022015). Collection method: clinical testing. Allele origin: germline.
Comment: This sequence change falls in intron 15 of the CACNA1H gene. It does not directly change the encoded amino acid sequence of the CACNA1H protein. It affects a nucleotide within the consensus splice site. The frequency data for this variant in the population databases is considered unreliable, as metrics indicate poor data quality at this position in the gnomAD database. This variant has not been reported in the literature in individuals affected with CACNA1H-related conditions. Variants that disrupt the consensus splice site are a relatively common cause of aberrant splicing (PMID: 17576681, 9536098). Algorithms developed to predict the effect of sequence changes on RNA splicing suggest that this variant is not likely to affect RNA splicing. In summary, the available evidence is currently insufficient to determine the role of this variant in disease. Therefore, it has been classified as a Variant of Uncertain Significance.

Literature cited by the submitters: PubMed 17576681; PubMed 9536098.

NM_021098.3(CACNA1H):c.3154+4C>A

Gene: CACNA1H (calcium voltage-gated channel subunit alpha1 H; plus strand). Cytogenetic location: 16p13.3.
Variant type: single nucleotide variant.
Coding change: c.3154+4C>A on transcript NM_021098.3 (MANE Select); 4 bases into the intron after coding-DNA position 3154, C replaced by A.
Molecular consequence: intron variant.
Genome position (GRCh38, 1-based): chr16:1,207,864, C>A. VCF-style: chr16-1207864-C-A. GRCh37 (hg19) VCF-style: chr16-1257864-C-A.
Other names: c.3154+4C>A (NM_001005407.2).
Identifiers: ClinVar variation 2943511 (VCV002943511.3), dbSNP rs775520795, ClinGen allele CA620697697.